The following is an entry in ClinVar:

ClinVar aggregate classification (germline): Pathogenic (1 of 4 stars; one submission).

Submission:

Labcorp Genetics (formerly Invitae), Labcorp
Classification: Pathogenic. Last evaluated: 2023-12-03. Review status: criteria provided, single submitter. Criteria: Invitae Variant Classification Sherloc (09022015). Collection method: clinical testing. Allele origin: germline.
Comment: This sequence change creates a premature translational stop signal (p.His2829Alafs*3) in the PCNT gene. It is expected to result in an absent or disrupted protein product. Loss-of-function variants in PCNT are known to be pathogenic (PMID: 18174396, 22821869). This variant is not present in population databases (gnomAD no frequency). This variant has not been reported in the literature in individuals affected with PCNT-related conditions. For these reasons, this variant has been classified as Pathogenic.

Literature cited by the submitters: PubMed 18174396; PubMed 22821869.

NM_006031.6(PCNT):c.8484dup (p.His2829fs)

Gene: PCNT (pericentrin; plus strand). Cytogenetic location: 21q22.3.
Variant type: Duplication.
Coding change: c.8484dup on transcript NM_006031.6 (MANE Select); coding-DNA position 8484, one base duplicated (G; older notation c.8484dupG).
Protein change: p.His2829fs; shifts the reading frame from histidine 2829.
Molecular consequence: frameshift variant.
Genome position (GRCh38, 1-based): chr21:46,431,948, G duplicated. VCF-style (leftmost placement, unchanged base first): chr21-46431947-A-AG. GRCh37 (hg19) VCF-style: chr21-47851861-A-AG.
Other names: c.8130dup, p.His2711fs (NM_001315529.2); short protein forms H2711fs, H2829fs.
Identifiers: ClinVar variation 2700638 (VCV002700638.3), dbSNP rs2519011808, ClinGen allele CA2697547618.
Genomic context (GRCh38, chr21:46,431,947, plus strand): 5'-TTGAAAAGGTGCAGCAGCAAGCCCTGCATTCTCAGCAGCAGCTTGAGGCTGAGGCTCAGA[A>AG]GCACTGTGAGGCGCTCAGGAGAGAGAAGGAGGTAAGTGCCACACTGAAGTCGACGGTGGA-3'